The following is an entry in ClinVar:

NM_152558.5(IQCE):c.1904G>A (p.Arg635Lys)

Gene: IQCE (IQ motif containing E; plus strand). Cytogenetic location: 7p22.3.
Variant type: single nucleotide variant.
Coding change: c.1904G>A on transcript NM_152558.5 (MANE Select); coding-DNA position 1904, G replaced by A.
Protein change: p.Arg635Lys; replaces arginine 635 with lysine.
Molecular consequence: missense variant.
Genome position (GRCh38, 1-based): chr7:2,607,162, G>A. VCF-style: chr7-2607162-G-A. GRCh37 (hg19) VCF-style: chr7-2646796-G-A.
Other names: c.1904G>A, p.Arg635Lys (NM_001287499.2); c.1856G>A, p.Arg619Lys (NM_001287500.2); c.1709G>A, p.Arg570Lys (NM_001287501.2, NM_001287502.2); c.1904G>A (NM_152558.4); short protein forms R570K, R619K, R635K.
Identifiers: ClinVar variation 1300126 (VCV001300126.4), dbSNP rs61729413, ClinGen allele CA4129551.

ClinVar aggregate classification (germline): Benign. Review status: criteria provided, single submitter (1 of 4 stars). 2 submissions from 2 submitters: Benign (1). 1 of the submissions does not count toward it. Last evaluated 2021-08-19.

Conditions:
IQCE-related disorder. Also called: IQCE-related condition.
Polydactyly, postaxial, type a7. Identifiers: MedGen C4539976, MONDO:0060550, OMIM 617642.

Allele frequency attached by ClinVar (database versions not stated): 1000 Genomes Project 0.10224; gnomAD 0.12402 and 0.12529; ESP Exome Variant Server 0.12442; ExAC 0.12565; TOPMed 0.12725; gnomAD exomes 0.12869 and 0.14204.
gnomAD v4.1: 225,766 of 1,611,772 alleles (14%); highest among the groups gnomAD compares: Middle Eastern, 17%; 16,312 homozygotes.

Submissions (2):

Genome-Nilou Lab
Classification: Benign for Polydactyly, postaxial, type a7. Last evaluated: 2021-08-19. Review status: criteria provided, single submitter. Criteria: ACMG Guidelines, 2015. Collection method: clinical testing. Allele origin: germline. Affected: no.

PreventionGenetics, part of Exact Sciences
Classification: Benign for IQCE-related condition. Last evaluated: 2019-10-21. Review status: no assertion criteria provided. Collection method: clinical testing. Allele origin: germline. Not counted in ClinVar's aggregate classification.
Comment: This variant is classified as benign based on ACMG/AMP sequence variant interpretation guidelines (Richards et al. 2015 PMID: 25741868, with internal and published modifications).